The following is an entry in ClinVar:

NM_000363.5(TNNI3):c.341T>C (p.Ile114Thr)

Gene: TNNI3 (troponin I3, cardiac type; minus strand). Cytogenetic location: 19q13.42.
Variant type: single nucleotide variant.
Coding change: c.341T>C on transcript NM_000363.5 (MANE Select); coding-DNA position 341, T replaced by C.
Protein change: p.Ile114Thr; replaces isoleucine 114 with threonine.
Molecular consequence: missense variant.
Genome position (GRCh38, 1-based): chr19:55,154,772, A>G on the plus strand (T>C on the coding strand, the complement: TNNI3 is on the minus strand). VCF-style: chr19-55154772-A-G. GRCh37 (hg19) VCF-style: chr19-55666140-A-G.
Other names: short protein forms I114T.
Identifiers: ClinVar variation 1464755 (VCV001464755.10), dbSNP rs762692450, ClinGen allele CA051282.

ClinVar aggregate classification (germline): Uncertain significance. Review status: criteria provided, multiple submitters, no conflicts (2 of 4 stars). 5 submissions from 5 submitters: Uncertain significance (5). Last evaluated 2025-01-23.

Conditions:
Cardiomyopathy (CMYO). Also called: Cardiomyopathies. Identifiers: Orphanet 167848, MedGen C0878544, MONDO:0004994, HP:0001638. Inheritance: Various modes of inheritance.
Cardiovascular phenotype. Identifiers: MedGen CN230736.
Hypertrophic cardiomyopathy. Also called: HYPERTROPHIC MYOCARDIOPATHY. Identifiers: Orphanet 217569, MedGen C0007194, MeSH D002312, MONDO:0005045, HP:0001639.

Allele frequency attached by ClinVar (database versions not stated): ExAC 0.00001; gnomAD 0.00001; gnomAD exomes 0.00001 and 0.00002; TOPMed 0.00001.

Submissions (5):

Ambry Genetics
Classification: Uncertain significance for Cardiovascular phenotype. Last evaluated: 2025-01-23. Review status: criteria provided, single submitter. Criteria: Ambry Variant Classification Scheme 2023. Collection method: clinical testing. Allele origin: germline.

All of Us Research Program, National Institutes of Health
Classification: Uncertain significance for Hypertrophic cardiomyopathy. Last evaluated: 2024-07-20. Review status: criteria provided, single submitter. Criteria: ACMG Guidelines, 2015. Collection method: clinical testing. Allele origin: germline. Inheritance: Autosomal dominant inheritance. Observed: 4 variant alleles, 4 heterozygotes.
Comment: This missense variant replaces isoleucine with threonine at codon 114 of the TNNI3 protein. Computational prediction tool is inconclusive regarding the impact of this variant on protein structure and function (internally defined REVEL score threshold 0.5 < inconclusive < 0.7, PMID: 27666373). Splice site prediction tools suggest that this variant may not impact RNA splicing. To our knowledge, functional studies have not been performed for this variant. This variant has not been reported in individuals affected with cardiovascular disorders in the literature. This variant has been identified in 4/249444 chromosomes in the general population by the Genome Aggregation Database (gnomAD). The available evidence is insufficient to determine the role of this variant in disease conclusively. Therefore, this variant is classified as a Variant of Uncertain Significance.

This study involves interpretation of variants in research participants for the purpose of population health screening. Participant phenotype was not available at the time of variant classification. Additional details can be found in publication PMID: 35346344, PMCID: PMC8962531

Color Diagnostics, LLC DBA Color Health
Classification: Uncertain significance for Cardiomyopathy. Last evaluated: 2024-03-06. Review status: criteria provided, single submitter. Criteria: ACMG Guidelines, 2015. Collection method: clinical testing. Allele origin: germline.
Comment: This missense variant replaces isoleucine with threonine at codon 114 of the TNNI3 protein. Computational prediction is inconclusive regarding the impact of this variant on protein structure and function (internally defined REVEL score threshold 0.5 < inconclusive < 0.7, PMID: 27666373). To our knowledge, functional studies have not been reported for this variant. This variant has not been reported in individuals affected with TNNI3-related disorders in the literature. This variant has been identified in 4/249444 chromosomes in the general population by the Genome Aggregation Database (gnomAD). The available evidence is insufficient to determine the role of this variant in disease conclusively. Therefore, this variant is classified as a Variant of Uncertain Significance.

GeneDx
Classification: Uncertain significance. Last evaluated: 2023-11-06. Review status: criteria provided, single submitter. Criteria: GeneDx Variant Classification Process June 2021. Collection method: clinical testing. Allele origin: germline. Affected: yes.
Comment: Not observed at significant frequency in large population cohorts (gnomAD); In silico analysis supports that this missense variant does not alter protein structure/function; Has not been previously published as pathogenic or benign to our knowledge

Labcorp Genetics (formerly Invitae), Labcorp
Classification: Uncertain significance for Hypertrophic cardiomyopathy. Last evaluated: 2022-04-11. Review status: criteria provided, single submitter. Criteria: Invitae Variant Classification Sherloc (09022015). Collection method: clinical testing. Allele origin: germline.
Comment: This sequence change replaces isoleucine, which is neutral and non-polar, with threonine, which is neutral and polar, at codon 114 of the TNNI3 protein (p.Ile114Thr). This variant is present in population databases (rs762692450, gnomAD 0.01%). This variant has not been reported in the literature in individuals affected with TNNI3-related conditions. Algorithms developed to predict the effect of missense changes on protein structure and function are either unavailable or do not agree on the potential impact of this missense change (SIFT: "Deleterious"; PolyPhen-2: "Benign"; Align-GVGD: "Class C0"). In summary, the available evidence is currently insufficient to determine the role of this variant in disease. Therefore, it has been classified as a Variant of Uncertain Significance.